The following is an entry in ClinVar:

ClinVar aggregate classification (germline): Likely benign (1 of 4 stars; one submission).

Allele frequency attached by ClinVar (database versions not stated): TOPMed 0.00006; ExAC 0.00008; gnomAD 0.00009; gnomAD exomes 0.00017.
gnomAD v4.1: 245 of 1,540,982 alleles (0.016%); highest among the groups gnomAD compares: Non-Finnish European, 0.021%; no homozygotes.

Submission:

CeGaT Center for Human Genetics Tuebingen
Classification: Likely benign. Last evaluated: 2022-09-01. Review status: criteria provided, single submitter. Criteria: CeGaT Center For Human Genetics Tuebingen Variant Classification Criteria Version 2. Collection method: clinical testing. Allele origin: germline. Affected: yes. Observed: 1 variant allele.
Comment: PLCB3: BP4, BP7

NM_000932.5(PLCB3):c.3555G>A (p.Gln1185=)

Gene: PLCB3 (phospholipase C beta 3; plus strand). Cytogenetic location: 11q13.1.
Variant type: single nucleotide variant.
Coding change: c.3555G>A on transcript NM_000932.5 (MANE Select); coding-DNA position 3555, G replaced by A.
Protein change: p.Gln1185=; no amino-acid change (glutamine 1185 retained).
Molecular consequence: synonymous variant.
Genome position (GRCh38, 1-based): chr11:64,267,406, G>A. VCF-style: chr11-64267406-G-A. GRCh37 (hg19) VCF-style: chr11-64034878-G-A.
Other names: c.3555G>A, p.Gln1185= (NM_001316314.3); c.3354G>A, p.Gln1118= (NM_001184883.2).
Identifiers: ClinVar variation 2641914 (VCV002641914.24), dbSNP rs775451768, ClinGen allele CA6072189.